The following is an entry in ClinVar:

ClinVar aggregate classification (germline): Benign. Review status: criteria provided, multiple submitters, no conflicts (2 of 4 stars). 2 submissions from 2 submitters: Benign (2). Last evaluated 2018-06-14.

Allele frequency attached by ClinVar (database versions not stated): 1000 Genomes Project 30x 0.08214; gnomAD 0.15132 and 0.15490; gnomAD exomes 0.17975; TOPMed 0.14125; 1000 Genomes Project 0.08147.
gnomAD v4.1: 103,061 of 596,400 alleles (17%); highest among the groups gnomAD compares: Non-Finnish European, 22%; 11,081 homozygotes.

Submissions (3):

GeneDx
Classification: Benign. Last evaluated: 2018-06-14. Review status: criteria provided, single submitter. Criteria: GeneDx Variant Classification (06012015). Collection method: clinical testing. Allele origin: germline. Affected: yes.
Comment: This variant is considered likely benign or benign based on one or more of the following criteria: it is a conservative change, it occurs at a poorly conserved position in the protein, it is predicted to be benign by multiple in silico algorithms, and/or has population frequency not consistent with disease.

Breakthrough Genomics
Classification: Benign. Review status: criteria provided, single submitter. Criteria: ACMG Guidelines, 2015. Collection method: not provided. Allele origin: germline. Inheritance: Autosomal dominant inheritance. Affected: yes.

Dr. Peter K. Rogan Lab, Western University
No classification provided (evidence only). Condition: Cholangiocarcinoma. Review status: no classification provided. Collection method: in vitro. Allele origin: not applicable. Functional consequence: retained intron. Not counted in ClinVar's aggregate classification.

NM_000430.4(PAFAH1B1):c.672-177A>T

Gene: PAFAH1B1 (platelet activating factor acetylhydrolase 1b regulatory subunit 1; plus strand). Cytogenetic location: 17p13.3.
Variant type: single nucleotide variant.
Coding change: c.672-177A>T on transcript NM_000430.4 (MANE Select); 177 bases into the intron before coding-DNA position 672, A replaced by T.
Molecular consequence: intron variant.
Genome position (GRCh38, 1-based): chr17:2,673,883, A>T. VCF-style: chr17-2673883-A-T. GRCh37 (hg19) VCF-style: chr17-2577177-A-T.
Other names: NC_000017.10:g.2577177A>T.
Identifiers: ClinVar variation 674629 (VCV000674629.3), dbSNP rs7223411, ClinGen allele CA14428883.